The following is an entry in ClinVar:

ClinVar aggregate classification (germline): Conflicting classifications of pathogenicity. Review status: criteria provided, conflicting classifications (1 of 4 stars). 3 submissions from 3 submitters: Likely pathogenic (1); Uncertain significance (2). Last evaluated 2025-06-27.

Conditions:
Heterotaxy, visceral, 5, autosomal (HTX5). Also called: Heterotaxy, visceral, 5. Identifiers: Orphanet 450, MedGen C3495537, MONDO:0700112, OMIM 270100.

Submissions (3):

Labcorp Genetics (formerly Invitae), Labcorp
Classification: Uncertain significance for Heterotaxy, visceral, 5, autosomal. Last evaluated: 2025-06-27. Review status: criteria provided, single submitter. Criteria: Invitae Variant Classification Sherloc (09022015). Collection method: clinical testing. Allele origin: germline.
Comment: This sequence change affects the initiator codon of the NODAL mRNA. This change may impact translation initiation or efficiency. The next in-frame methionine is located at codon 44. This variant is not present in population databases (gnomAD no frequency). Disruption of the initiator codon has been observed in individual(s) with clinical features of NODAL-related conditions (PMID: 37853563, 38570875). ClinVar contains an entry for this variant (Variation ID: 2442204). Experimental studies and prediction algorithms are not available or were not evaluated, and the functional significance of this variant is currently unknown. In summary, the available evidence is currently insufficient to determine the role of this variant in disease. Therefore, it has been classified as a Variant of Uncertain Significance.

Duke University Health System Sequencing Clinic, Duke University Health System
Classification: Uncertain significance for Heterotaxy, visceral, 5, autosomal. Last evaluated: 2023-04-20. Review status: criteria provided, single submitter. Criteria: ACMG Guidelines, 2015. Collection method: research. Allele origin: paternal. Affected: yes.

Baylor Genetics
Classification: Likely pathogenic for Heterotaxy, visceral, 5, autosomal. Last evaluated: 2022-09-09. Review status: criteria provided, single submitter. Criteria: ACMG Guidelines, 2015. Collection method: clinical testing. Allele origin: unknown.

Literature cited by the submitters: PubMed 37853563 (cited by Labcorp Genetics (formerly Invitae), Labcorp); PubMed 38570875 (cited by Labcorp Genetics (formerly Invitae), Labcorp).

NM_018055.5(NODAL):c.2T>C (p.Met1Thr)

Gene: NODAL (nodal growth differentiation factor; minus strand). Cytogenetic location: 10q22.1.
Variant type: single nucleotide variant.
Coding change: c.2T>C on transcript NM_018055.5 (MANE Select); coding-DNA position 2, T replaced by C.
Protein change: p.Met1Thr; changes the start codon (methionine 1).
Molecular consequence: missense variant, initiator codon variant. On other transcripts: intron variant (1).
Genome position (GRCh38, 1-based): chr10:70,441,666, A>G on the plus strand (T>C on the coding strand, the complement: NODAL is on the minus strand). VCF-style: chr10-70441666-A-G. GRCh37 (hg19) VCF-style: chr10-72201422-A-G.
Other names: c.-206-5683T>C (NM_001329906.2); c.2T>C (NM_018055.4); short protein forms M1T.
Identifiers: ClinVar variation 2442204 (VCV002442204.6), dbSNP rs2493096439, ClinGen allele CA376947254.